The following is an entry in ClinVar:

ClinVar aggregate classification (germline): Likely pathogenic (0 of 4 stars; one submission).

Conditions:
RPGRIP1L-related disorder. Also called: RPGRIP1L-related condition; RPGRIP1L-related disorders. Identifiers: MedGen CN239416.

Submission:

PreventionGenetics, part of Exact Sciences
Classification: Likely pathogenic for RPGRIP1L-related condition. Last evaluated: 2024-06-25. Review status: no assertion criteria provided. Collection method: clinical testing. Allele origin: germline.
Comment: The RPGRIP1L c.2354delC variant is predicted to result in a frameshift and premature protein termination (p.Thr785Lysfs*5). To our knowledge, this variant has not been reported in the literature or in a large population database, indicating this variant is rare. Frameshift variants in RPGRIP1L are expected to be pathogenic. This variant is interpreted as likely pathogenic.

NM_015272.5(RPGRIP1L):c.2354del (p.Thr785fs)

Gene: RPGRIP1L (RPGRIP1 like; minus strand). Cytogenetic location: 16q12.2.
Variant type: Deletion.
Coding change: c.2354del on transcript NM_015272.5 (MANE Select); coding-DNA position 2354, one base deleted (C; older notation c.2354delC).
Protein change: p.Thr785fs; shifts the reading frame from threonine 785.
Molecular consequence: frameshift variant.
Genome position (GRCh38, 1-based): chr16:53,645,954, G deleted on the plus strand (C on the coding strand, the reverse complement: RPGRIP1L is on the minus strand). VCF-style (leftmost placement, unchanged base first): chr16-53645953-TG-T. GRCh37 (hg19) VCF-style: chr16-53679865-TG-T.
Other names: c.2354del, p.Thr785fs (NM_001127897.4, NM_001308334.3, NM_001330538.2); short protein forms T785fs.
Identifiers: ClinVar variation 3346252 (VCV003346252.1).